The following is an entry in ClinVar:

ClinVar aggregate classification (germline): Uncertain significance. Review status: criteria provided, multiple submitters, no conflicts (2 of 4 stars). 2 submissions from 2 submitters: Uncertain significance (2). Last evaluated 2022-08-22.

Conditions:
Joubert syndrome. Also called: Familial aplasia of the vermis; CEREBELLOPARENCHYMAL DISORDER IV; JOUBERT-BOLTSHAUSER SYNDROME. Identifiers: Orphanet 475, MedGen C5979921, MONDO:0018772.
Meckel-Gruber syndrome. Also called: Dysencephalia splachnocystica; DYSENCEPHALIA SPLANCHNOCYSTICA; GRUBER SYNDROME. Identifiers: Orphanet 564, MedGen C0265215, MONDO:0018921.
Meckel syndrome, type 8. Identifiers: Orphanet 564, MedGen C3836857, MONDO:0013482, OMIM 613885.

Allele frequency attached by ClinVar (database versions not stated): gnomAD exomes 0.00001; ExAC 0.00002; gnomAD 0.00002 and 0.00005; TOPMed 0.00003; 1000 Genomes Project 30x 0.00031; 1000 Genomes Project 0.00040.
gnomAD v4.1: 23 of 1,614,192 alleles (0.0014%); highest among the groups gnomAD compares: African/African-American, 0.019%; no homozygotes.

Submissions (2):

Labcorp Genetics (formerly Invitae), Labcorp
Classification: Uncertain significance for Joubert syndrome; Meckel-Gruber syndrome. Last evaluated: 2022-08-22. Review status: criteria provided, single submitter. Criteria: Invitae Variant Classification Sherloc (09022015). Collection method: clinical testing. Allele origin: germline.
Comment: This sequence change replaces proline, which is neutral and non-polar, with serine, which is neutral and polar, at codon 117 of the TCTN2 protein (p.Pro117Ser). This variant is present in population databases (rs148783076, gnomAD 0.01%). This variant has not been reported in the literature in individuals affected with TCTN2-related conditions. ClinVar contains an entry for this variant (Variation ID: 1030877). Algorithms developed to predict the effect of missense changes on protein structure and function are either unavailable or do not agree on the potential impact of this missense change (SIFT: "Tolerated"; PolyPhen-2: "Possibly Damaging"; Align-GVGD: "Class C0"). In summary, the available evidence is currently insufficient to determine the role of this variant in disease. Therefore, it has been classified as a Variant of Uncertain Significance.

Baylor Genetics
Classification: Uncertain significance for Meckel syndrome, type 8. Last evaluated: 2019-12-06. Review status: criteria provided, single submitter. Criteria: ACMG Guidelines, 2015. Collection method: clinical testing. Allele origin: unknown. Affected: yes.
Comment: This variant was determined to be of uncertain significance according to ACMG Guidelines, 2015 [PMID:25741868].

NM_024809.5(TCTN2):c.349C>T (p.Pro117Ser)

Gene: TCTN2 (tectonic family member 2; plus strand). Cytogenetic location: 12q24.31.
Variant type: single nucleotide variant.
Coding change: c.349C>T on transcript NM_024809.5 (MANE Select); coding-DNA position 349, C replaced by T.
Protein change: p.Pro117Ser; replaces proline 117 with serine.
Molecular consequence: missense variant.
Genome position (GRCh38, 1-based): chr12:123,673,696, C>T. VCF-style: chr12-123673696-C-T. GRCh37 (hg19) VCF-style: chr12-124158243-C-T.
Other names: c.346C>T, p.Pro116Ser (NM_001143850.3); short protein forms P116S, P117S.
Identifiers: ClinVar variation 1030877 (VCV001030877.3), dbSNP rs148783076, ClinGen allele CA6860875.